The following is an entry in ClinVar:

ClinVar aggregate classification (germline): Uncertain significance. Review status: criteria provided, multiple submitters, no conflicts (2 of 4 stars). 2 submissions from 2 submitters: Uncertain significance (2). Last evaluated 2024-03-24.

Conditions:
Multiple endocrine neoplasia, type 1 (MEN1). Also called: MEN I; WERMER SYNDROME; MEA I; Endocrine adenomatosis multiple; MEN 1. Identifiers: Orphanet 652, MedGen C0025267, MeSH D018761, MONDO:0007540, OMIM 131100.
Hereditary cancer-predisposing syndrome. Also called: Hereditary neoplastic syndrome; Tumor predisposition; Neoplastic Syndromes, Hereditary; Hereditary Cancer Syndrome. Identifiers: Orphanet 140162, MedGen C0027672, MeSH D009386, MONDO:0015356.

Submissions (2):

All of Us Research Program, National Institutes of Health
Classification: Uncertain significance for Multiple endocrine neoplasia, type 1. Last evaluated: 2024-03-24. Review status: criteria provided, single submitter. Criteria: ACMG Guidelines, 2015. Collection method: clinical testing. Allele origin: germline. Inheritance: Autosomal dominant inheritance. Observed: 1 variant allele, 1 heterozygote.
Comment: This missense variant replaces phenylalanine with valine at codon 93 of the MEN1 protein. Computational prediction suggests that this variant may have deleterious impact on protein structure and function (internally defined REVEL score threshold >= 0.7, PMID: 27666373). To our knowledge, functional studies have not been reported for this variant. This variant has not been reported in individuals affected with MEN1-related disorders in the literature. This variant has not been identified in the general population by the Genome Aggregation Database (gnomAD). The available evidence is insufficient to determine the role of this variant in disease conclusively. Therefore, this variant is classified as a Variant of Uncertain Significance.

This study involves interpretation of variants in research participants for the purpose of population health screening. Participant phenotype was not available at the time of variant classification. Additional details can be found in publication PMID: 35346344, PMCID: PMC8962531

Ambry Genetics
Classification: Uncertain significance for Hereditary cancer-predisposing syndrome. Last evaluated: 2023-01-18. Review status: criteria provided, single submitter. Criteria: Ambry Variant Classification Scheme 2023. Collection method: clinical testing. Allele origin: germline.
Comment: The p.F93V variant (also known as c.277T>G), located in coding exon 1 of the MEN1 gene, results from a T to G substitution at nucleotide position 277. The phenylalanine at codon 93 is replaced by valine, an amino acid with highly similar properties. This amino acid position is conserved. In addition, this alteration is predicted to be deleterious by in silico analysis. Since supporting evidence is limited at this time, the clinical significance of this alteration remains unclear.

NM_001370259.2(MEN1):c.277T>G (p.Phe93Val)

Gene: MEN1 (menin 1; minus strand). Cytogenetic location: 11q13.1.
Variant type: single nucleotide variant.
Coding change: c.277T>G on transcript NM_001370259.2 (MANE Select); coding-DNA position 277, T replaced by G.
Protein change: p.Phe93Val; replaces phenylalanine 93 with valine.
Molecular consequence: missense variant. On other transcripts: non-coding transcript variant (4).
Genome position (GRCh38, 1-based): chr11:64,809,833, A>C on the plus strand (T>G on the coding strand, the complement: MEN1 is on the minus strand). VCF-style: chr11-64809833-A-C. GRCh37 (hg19) VCF-style: chr11-64577305-A-C.
Other names: c.277T>G, p.Phe93Val (NM_000244.4, NM_001370251.2, NM_001370260.2 and 20 more transcripts); short protein forms F93V.
Identifiers: ClinVar variation 2450233 (VCV002450233.3), dbSNP rs2136186563, ClinGen allele CA381187501.